The following is an entry in ClinVar:

NM_000338.3(SLC12A1):c.2371A>G (p.Thr791Ala)

Gene: SLC12A1 (solute carrier family 12 member 1; plus strand). Cytogenetic location: 15q21.1.
Variant type: single nucleotide variant.
Coding change: c.2371A>G on transcript NM_000338.3 (MANE Select); coding-DNA position 2371, A replaced by G.
Protein change: p.Thr791Ala; replaces threonine 791 with alanine.
Molecular consequence: missense variant.
Genome position (GRCh38, 1-based): chr15:48,269,733, A>G. VCF-style: chr15-48269733-A-G. GRCh37 (hg19) VCF-style: chr15-48561930-A-G.
Other names: c.2371A>G, p.Thr791Ala (NM_001184832.2, NM_001384136.1); short protein forms T791A.
Identifiers: ClinVar variation 3162813 (VCV003162813.3), dbSNP rs986693808, ClinGen allele CA269491070.

ClinVar aggregate classification (germline): Uncertain significance. Review status: criteria provided, multiple submitters, no conflicts (2 of 4 stars). 2 submissions from 2 submitters: Uncertain significance (2). Last evaluated 2026-08-06.

Conditions:
Bartter disease type 1. Also called: HYPERPROSTAGLANDIN E SYNDROME 1; HYPOKALEMIC ALKALOSIS WITH HYPERCALCIURIA 1, ANTENATAL; Bartter syndrome, type 1, antenatal; Bartter Syndrome type 1. Identifiers: Orphanet 112, Orphanet 620217, MedGen C1866495, MONDO:0100344, OMIM 601678, MONDO:0011127.
Inborn genetic diseases. Identifiers: MedGen C0950123, MeSH D030342.

Allele frequency attached by ClinVar (database versions not stated): TOPMed 0.00003; gnomAD exomes 0.00001.
gnomAD v4.1: 14 of 1,608,796 alleles (0.00087%); highest among the groups gnomAD compares: South Asian, 0.0066%; no homozygotes.

Submissions (2):

OLLIN Analises Genomicas, OLLIN
Classification: Uncertain significance for Bartter disease type 1. Last evaluated: 2026-08-06. Review status: criteria provided, single submitter. Criteria: ACMG Guidelines 2015 PMID 25741868. Collection method: clinical testing. Allele origin: germline. Inheritance: Autosomal recessive inheritance.
Comment: This missense variant, located in exon 19 (of 27), has been reported in ClinVar (accession VCV003162813.2) and in gnomAD with an allele frequency of 0.00087%. However, to our knowledge, it has not been reported in the scientific literature. In silico analysis predicts that this variant has a tolerated effect. According to the currently available evidence, this variant has been classified as uncertain significance (PM2_P, BP4_M).

Ambry Genetics
Classification: Uncertain significance for Inborn genetic diseases. Last evaluated: 2026-04-15. Review status: criteria provided, single submitter. Criteria: Ambry Variant Classification Scheme 2023. Collection method: clinical testing. Allele origin: germline.
Comment: The c.2371A>G (p.T791A) alteration is located in exon 19 (coding exon 18) of the SLC12A1 gene. This alteration results from a A to G substitution at nucleotide position 2371, causing the threonine (T) at amino acid position 791 to be replaced by an alanine (A). Based on data from gnomAD, the G allele has an overall frequency of 0.001% (2/250458) total alleles studied. The highest observed frequency was 0.003% (1/30502) of South Asian alleles. Based on insufficient or conflicting evidence, the clinical significance of this alteration remains unclear.